The following is an entry in ClinVar:

ClinVar aggregate classification (germline): Likely pathogenic. Review status: criteria provided, single submitter (1 of 4 stars). 3 submissions from 3 submitters: Likely pathogenic (1). 2 of the submissions do not count toward it. Last evaluated 2025-05-21.

Conditions:
Autosomal dominant childhood-onset proximal spinal muscular atrophy without contractures. Also called: SPINAL MUSCULAR ATROPHY, JUVENILE, PROXIMAL, AUTOSOMAL DOMINANT; Spinal muscular atrophy, lower extremity-predominant 1, AD; SPINAL MUSCULAR ATROPHY, CHILDHOOD, PROXIMAL, AUTOSOMAL DOMINANT; KUGELBERG-WELANDER SYNDROME, AUTOSOMAL DOMINANT. Identifiers: Orphanet 209341, Orphanet 363447, MedGen C5780022, MONDO:0008026, OMIM 158600.
Charcot-Marie-Tooth disease axonal type 2O. Also called: Charcot-Marie-Tooth Neuropathy Type 2O; CHARCOT-MARIE-TOOTH NEUROPATHY, AXONAL, TYPE 2O; CHARCOT-MARIE-TOOTH DISEASE, AXONAL, AUTOSOMAL DOMINANT, TYPE 2O; Charcot-Marie-Tooth disease, axonal, type 20. Identifiers: Orphanet 284232, MedGen C3280220, MONDO:0013644, OMIM 614228.

Submissions (3):

GeneDx
Classification: Likely pathogenic. Last evaluated: 2025-05-21. Review status: criteria provided, single submitter. Criteria: GeneDx Variant Classification Process June 2021. Collection method: clinical testing. Allele origin: germline. Affected: yes.
Comment: Not observed at significant frequency in large population cohorts (gnomAD); In silico analysis supports that this missense variant has a deleterious effect on protein structure/function; This variant is associated with the following publications: (PMID: 34535505, 25512093, 25609763, 26100331, 38895864, 34736627, 40137462, 24256262, 39457418, 28196890, 22847149, 35899263, 28193117, 22459677)

Inherited Neuropathy Consortium Ii, University Of Miami
Classification: Uncertain significance for Charcot-Marie-Tooth disease axonal type 2O. Last evaluated: 2016-01-06. Review status: no assertion criteria provided. Collection method: literature only. Allele origin: germline. Affected: yes. Not counted in ClinVar's aggregate classification.

OMIM
Classification: Pathogenic for SPINAL MUSCULAR ATROPHY, LOWER EXTREMITY-PREDOMINANT, 1, AUTOSOMAL DOMINANT. Last evaluated: 2012-05-29. Review status: no assertion criteria provided. Collection method: literature only. Allele origin: germline. Not counted in ClinVar's aggregate classification.

Literature cited by the submitters: PubMed 22459677 (cited by Inherited Neuropathy Consortium Ii, University Of Miami and OMIM).

NM_001376.5(DYNC1H1):c.2909A>G (p.Tyr970Cys)

Genes: DYNC1H1 (dynein cytoplasmic 1 heavy chain 1; plus strand), LOC130056502 (ATAC-STARR-seq lymphoblastoid active region 9063; plus strand). Cytogenetic location: 14q32.31.
Variant type: single nucleotide variant.
Coding change: c.2909A>G on transcript NM_001376.5 (MANE Select); coding-DNA position 2909, A replaced by G.
Protein change: p.Tyr970Cys; replaces tyrosine 970 with cysteine.
Molecular consequence: missense variant.
Genome position (GRCh38, 1-based): chr14:101,991,567, A>G. VCF-style: chr14-101991567-A-G. GRCh37 (hg19) VCF-style: chr14-102457904-A-G.
Other names: c.2909A>G (NM_001376.4); short protein forms Y970C.
Identifiers: ClinVar variation 30034 (VCV000030034.3), dbSNP rs387906743, ClinGen allele CA128845.
Genomic context (GRCh38, chr14:101,991,567, plus strand): 5'-ATGAAACCTTTCTTTCACAGAATGTCGTTCATGAGCTAAGAATAACCAATCAGGTAATCT[A>G]CTTGAATCCACCAATTGAAGAGTGCAGATACAAGCTGTATCAGGAAATGTTTGCCTGGAA-3'
Protein context (NP_001367.2, residues 960-980): HELRITNQVI[Tyr970Cys]LNPPIEECRY